The following is an entry in ClinVar:

NM_001379500.1(COL18A1):c.2869-8G>T

Genes: COL18A1 (collagen type XVIII alpha 1 chain; plus strand), SLC19A1 (solute carrier family 19 member 1; minus strand). Cytogenetic location: 21q22.3.
Variant type: single nucleotide variant.
Coding change: c.2869-8G>T on transcript NM_001379500.1 (MANE Select); 8 bases into the intron before coding-DNA position 2869, G replaced by T.
Molecular consequence: intron variant.
Genome position (GRCh38, 1-based): chr21:45,505,126, G>T. VCF-style: chr21-45505126-G-T. GRCh37 (hg19) VCF-style: chr21-46925040-G-T.
Other names: c.4114-8G>T (NM_130444.3); c.3409-8G>T (NM_030582.4).
Identifiers: ClinVar variation 1657964 (VCV001657964.23), dbSNP rs770714794, ClinGen allele CA10067536.

ClinVar aggregate classification (germline): Conflicting classifications of pathogenicity. Review status: criteria provided, conflicting classifications (1 of 4 stars). 4 submissions from 4 submitters: Uncertain significance (1); Likely benign (3). Last evaluated 2026-04-01.

gnomAD v4.1: 205 of 1,607,434 alleles (0.013%); highest among the groups gnomAD compares: Non-Finnish European, 0.016%; 1 homozygote.

Submissions (4):

CeGaT Center for Human Genetics Tuebingen
Classification: Likely benign. Last evaluated: 2026-04-01. Review status: criteria provided, single submitter. Criteria: CeGaT Center For Human Genetics Tuebingen Variant Classification Criteria Version 2. Collection method: clinical testing. Allele origin: germline. Affected: yes. Observed: 2 variant alleles.
Comment: COL18A1: BP4, BS1

Labcorp Genetics (formerly Invitae), Labcorp
Classification: Likely benign. Last evaluated: 2025-10-19. Review status: criteria provided, single submitter. Criteria: Invitae Variant Classification Sherloc (09022015). Collection method: clinical testing. Allele origin: germline.

Blueprint Genetics
Classification: Likely benign. Last evaluated: 2024-11-08. Review status: criteria provided, single submitter. Criteria: ACMG Guidelines, 2015. Collection method: clinical testing. Allele origin: germline.

Women's Health and Genetics/Laboratory Corporation of America, LabCorp
Classification: Uncertain significance. Last evaluated: 2023-07-14. Review status: criteria provided, single submitter. Criteria: LabCorp Variant Classification Summary - May 2015. Collection method: clinical testing. Allele origin: germline.
Comment: Variant summary: COL18A1 c.2869-8G>T alters a non-conserved nucleotide located close to a canonical splice site and therefore could affect mRNA splicing, leading to a significantly altered protein sequence. Computational tools predict no significant impact on normal splicing. However, these predictions have yet to be confirmed by functional studies. The variant allele was found at a frequency of 0.0001 in 232984 control chromosomes (gnomAD). To our knowledge, no occurrence of c.2869-8G>T in individuals affected with Knobloch Syndrome 1 and no experimental evidence demonstrating its impact on protein function have been reported. One submitter has provided a clinical-significance assessment for this variant to ClinVar after 2014 and has classified the variant as likely benign. Based on the evidence outlined above, the variant was classified as uncertain significance.